The following is an entry in ClinVar:

ClinVar aggregate classification (germline): Conflicting classifications of pathogenicity. Review status: criteria provided, conflicting classifications (1 of 4 stars). 8 submissions from 8 submitters: Pathogenic (1); Likely pathogenic (3); Uncertain significance (2). 2 of the submissions do not count toward it. Last evaluated 2026-06-12.

Conditions:
Autosomal recessive distal spinal muscular atrophy 1. Also called: NEURONOPATHY, DISTAL HEREDITARY MOTOR, HARDING TYPE VI; NEUROPATHY, DISTAL HEREDITARY MOTOR, AUTOSOMAL RECESSIVE 1; NEURONOPATHY, SEVERE INFANTILE AXONAL, WITH RESPIRATORY FAILURE; SEVERE INFANTILE AXONAL NEUROPATHY WITH RESPIRATORY FAILURE; SPINAL MUSCULAR ATROPHY, DIAPHRAGMATIC; Spinal muscular atrophy with respiratory distress 1. Identifiers: Orphanet 98920, MedGen C1858517, MONDO:0011436, OMIM 604320.
Charcot-Marie-Tooth disease axonal type 2S. Also called: CHARCOT-MARIE-TOOTH NEUROPATHY, TYPE 2S; CHARCOT-MARIE-TOOTH DISEASE, AXONAL, AUTOSOMAL RECESSIVE, TYPE 2S. Identifiers: Orphanet 443073, MedGen C4015349, MONDO:0014511, OMIM 616155.
Charcot-Marie-Tooth disease. Also called: Charcot-Marie-Tooth Hereditary Neuropathy; Charcot-Marie-Tooth Neuropathy. Identifiers: Orphanet 166, MedGen C0007959, MONDO:0015626.

Allele frequency attached by ClinVar (database versions not stated): TOPMed 0.00002.
gnomAD v4.1: 5 of 1,593,184 alleles (0.00031%); highest among the groups gnomAD compares: Non-Finnish European, 0.00043%; no homozygotes.

Submissions (8):

Women's Health and Genetics/Laboratory Corporation of America, LabCorp
Classification: Likely pathogenic for Charcot-Marie-Tooth disease axonal type 2S. Last evaluated: 2026-06-12. Review status: criteria provided, single submitter. Criteria: LabCorp Variant Classification Summary - May 2015. Collection method: clinical testing. Allele origin: germline.
Comment: Variant summary: IGHMBP2 c.1523C>T (p.Ser508Leu) results in a non-conservative amino acid change located in the DNA2/NAM7 helicase-like, C-terminal domain (IPR041679) of the encoded protein sequence. Algorithms developed to predict the effect of missense changes on protein structure and function all suggest that this variant is likely to be disruptive. The variant allele was found at a frequency of 4.7e-06 in 213060 control chromosomes. c.1523C>T has been reported in the literature in homozygous individuals affected with Charcot-Marie-Tooth Disease, Axonal, Type 2S, including at least one individual with additional phenotype including distal hereditary motor neuronopathy and spinal muscular atrophy (e.g. Karakaya_2018, Sharma_2022). These data indicate that the variant is likely to be associated with disease. To our knowledge, no experimental evidence demonstrating an impact on protein function has been reported. The following publications have been ascertained in the context of this evaluation (PMID: 29858556, 35936615). ClinVar contains an entry for this variant (Variation ID: 433162). Based on the evidence outlined above, the variant was classified as likely pathogenic.

GeneDx
Classification: Likely pathogenic. Last evaluated: 2026-01-23. Review status: criteria provided, single submitter. Criteria: GeneDx Variant Classification Process June 2021. Collection method: clinical testing. Allele origin: germline.
Comment: Not observed at significant frequency in large population cohorts (gnomAD); In silico analysis supports that this missense variant has a deleterious effect on protein structure/function; This variant is associated with the following publications: (PMID: 24388491, 25439726, 22965130, 29858556, 32709422, 35936615)

Labcorp Genetics (formerly Invitae), Labcorp
Classification: Likely pathogenic for Autosomal recessive distal spinal muscular atrophy 1; Charcot-Marie-Tooth disease axonal type 2S. Last evaluated: 2025-01-09. Review status: criteria provided, single submitter. Criteria: Invitae Variant Classification Sherloc (09022015). Collection method: clinical testing. Allele origin: germline.
Comment: This sequence change replaces serine, which is neutral and polar, with leucine, which is neutral and non-polar, at codon 508 of the IGHMBP2 protein (p.Ser508Leu). The frequency data for this variant in the population databases is considered unreliable, as metrics indicate poor data quality at this position in the gnomAD database. This missense change has been observed in individual(s) with clinical features of Charcot-Marie-Tooth disease (PMID: 29858556, 32709422, 35936615; internal data). In at least one individual the data is consistent with being in trans (on the opposite chromosome) from a pathogenic variant. ClinVar contains an entry for this variant (Variation ID: 433162). Invitae Evidence Modeling of protein sequence and biophysical properties (such as structural, functional, and spatial information, amino acid conservation, physicochemical variation, residue mobility, and thermodynamic stability) has been performed for this missense variant. However, the output from this modeling did not meet the statistical confidence thresholds required to predict the impact of this variant on IGHMBP2 protein function. In summary, the currently available evidence indicates that the variant is pathogenic, but additional data are needed to prove that conclusively. Therefore, this variant has been classified as Likely Pathogenic.

Mendelics
Classification: Pathogenic for Autosomal recessive distal spinal muscular atrophy 1. Last evaluated: 2022-05-04. Review status: criteria provided, single submitter. Criteria: Mendelics Assertion Criteria 2019. Collection method: clinical testing. Allele origin: germline.

Kariminejad - Najmabadi Pathology & Genetics Center
Classification: Uncertain significance for Charcot-Marie-Tooth disease axonal type 2S; Autosomal recessive distal spinal muscular atrophy 1. Last evaluated: 2021-04-22. Review status: criteria provided, single submitter. Criteria: ACMG Guidelines, 2015. Collection method: clinical testing. Allele origin: germline. Inheritance: Autosomal recessive inheritance. Affected: yes.
Comment: PM2,PP3,PP4

Molecular Diagnostics Lab, Nemours Children's Health, Delaware
Classification: Uncertain significance. Last evaluated: 2017-01-05. Review status: criteria provided, single submitter. Criteria: ACMG Guidelines, 2015. Collection method: clinical testing. Allele origin: inherited, unknown. Affected: yes and no. Observed: 1 heterozygote, 1 compound heterozygote.

Genesis Genome Database
Classification: Uncertain significance for Charcot-Marie-Tooth disease. Last evaluated: 2019-08-14. Review status: no assertion criteria provided. Collection method: research. Allele origin: germline. Affected: yes. Not counted in ClinVar's aggregate classification.

Institute of Human Genetics, Cologne University
Classification: Likely pathogenic for Charcot-Marie-Tooth disease axonal type 2S. Last evaluated: 2018-04-25. Review status: no assertion criteria provided. Collection method: clinical testing. Allele origin: germline. Affected: yes. Not counted in ClinVar's aggregate classification.

Literature cited by the submitters: PubMed 29858556 (cited by Women's Health and Genetics/Laboratory Corporation of America, LabCorp and Labcorp Genetics (formerly Invitae), Labcorp); PubMed 35936615 (cited by Women's Health and Genetics/Laboratory Corporation of America, LabCorp and Labcorp Genetics (formerly Invitae), Labcorp); PubMed 32709422 (cited by Labcorp Genetics (formerly Invitae), Labcorp).

NM_002180.3(IGHMBP2):c.1523C>T (p.Ser508Leu)

Gene: IGHMBP2 (immunoglobulin mu DNA binding protein 2; plus strand). Cytogenetic location: 11q13.3.
Variant type: single nucleotide variant.
Coding change: c.1523C>T on transcript NM_002180.3 (MANE Select); coding-DNA position 1523, C replaced by T.
Protein change: p.Ser508Leu; replaces serine 508 with leucine.
Molecular consequence: missense variant.
Genome position (GRCh38, 1-based): chr11:68,933,899, C>T. VCF-style: chr11-68933899-C-T. GRCh37 (hg19) VCF-style: chr11-68701367-C-T.
Other names: short protein forms S508L.
Identifiers: ClinVar variation 433162 (VCV000433162.18), dbSNP rs754465226, ClinGen allele CA6153673.
Genomic context (GRCh38, chr11:68,933,899, plus strand): 5'-TGCTCTTGGTGGACACCGCCGGCTGCGGGCTGTTTGAGCTGGAGGAGGAGGACGAACAGT[C>T]GAAAGGGAACCCTGGTGAGCTTGCTTGCAGATGGCCAGCTTTTTTGTTTAAACATACCTC-3'
Protein context (NP_002171.2, residues 498-518): LFELEEEDEQ[Ser508Leu]KGNPGEVRLV